The following is an entry in ClinVar:

NM_000465.4(BARD1):c.173G>T (p.Arg58Ile)

Gene: BARD1 (BRCA1 associated RING domain 1; minus strand). Cytogenetic location: 2q35.
Variant type: single nucleotide variant.
Coding change: c.173G>T on transcript NM_000465.4 (MANE Select); coding-DNA position 173, G replaced by T.
Protein change: p.Arg58Ile; replaces arginine 58 with isoleucine.
Molecular consequence: missense variant. On other transcripts: non-coding transcript variant (2), intron variant (2).
Genome position (GRCh38, 1-based): chr2:214,797,103, C>A on the plus strand (G>T on the coding strand, the complement: BARD1 is on the minus strand). VCF-style: chr2-214797103-C-A. GRCh37 (hg19) VCF-style: chr2-215661827-C-A.
Other names: c.173G>T, p.Arg58Ile (NM_001282545.2, NM_001282549.2); c.158+12309G>T (NM_001282548.2); c.159-4658G>T (NM_001282543.2); short protein forms R58I.
Identifiers: ClinVar variation 4842591 (VCV004842591.1).

ClinVar aggregate classification (germline): Uncertain significance (1 of 4 stars; one submission).

Conditions:
Hereditary cancer-predisposing syndrome. Also called: Neoplastic Syndromes, Hereditary; Tumor predisposition; Hereditary Cancer Syndrome; Hereditary neoplastic syndrome. Identifiers: Orphanet 140162, MedGen C0027672, MeSH D009386, MONDO:0015356.

Submission:

Ambry Genetics
Classification: Uncertain significance for Hereditary cancer-predisposing syndrome. Last evaluated: 2026-01-10. Review status: criteria provided, single submitter. Criteria: Ambry Variant Classification Scheme 2023. Collection method: clinical testing. Allele origin: germline.
Comment: The p.R58I variant (also known as c.173G>T), located in coding exon 2 of the BARD1 gene, results from a G to T substitution at nucleotide position 173. The arginine at codon 58 is replaced by isoleucine, an amino acid with similar properties. This amino acid position is conserved. In addition, the in silico prediction for this alteration is inconclusive. Based on the available evidence, the clinical significance of this variant remains unclear.